The following is an entry in ClinVar:

NM_000135.4(FANCA):c.1113G>C (p.Leu371Phe)

Gene: FANCA (FA complementation group A; minus strand). Cytogenetic location: 16q24.3.
Variant type: single nucleotide variant.
Coding change: c.1113G>C on transcript NM_000135.4 (MANE Select); coding-DNA position 1113, G replaced by C.
Protein change: p.Leu371Phe; replaces leucine 371 with phenylalanine.
Molecular consequence: missense variant.
Genome position (GRCh38, 1-based): chr16:89,792,039, C>G on the plus strand (G>C on the coding strand, the complement: FANCA is on the minus strand). VCF-style: chr16-89792039-C-G. GRCh37 (hg19) VCF-style: chr16-89858447-C-G.
Other names: c.1113G>C, p.Leu371Phe (NM_001286167.3); short protein forms L371F.
Identifiers: ClinVar variation 2681887 (VCV002681887.1), dbSNP rs2040093986, ClinGen allele CA397466280.
Genomic context (GRCh38, chr16:89,792,039, plus strand): 5'-GGAGAGCACTCTCTGCCAGTGAACCTCCTGCGTTTCCAGAACTTCTTGCAAATGGCCAAC[C>G]AACTCCTCTGCACTCAGCATCACAAAGAGCTGAAATAAAAGCATCCGCTCCCTTCAATAT-3'
Protein context (NP_000126.2, residues 361-381): RLFVMLSAEE[Leu371Phe]VGHLQEVLET

ClinVar aggregate classification (germline): Uncertain significance (1 of 4 stars; one submission).

Allele frequency attached by ClinVar (database versions not stated): TOPMed below 0.00001.
gnomAD v4.1: 3 of 1,614,178 alleles (0.00019%); highest among the groups gnomAD compares: Non-Finnish European, 0.00025%; no homozygotes.

Submission:

Quest Diagnostics Nichols Institute San Juan Capistrano
Classification: Uncertain significance. Last evaluated: 2023-06-06. Review status: criteria provided, single submitter. Criteria: Quest Diagnostics criteria. Collection method: clinical testing. Allele origin: unknown.
Comment: To the best of our knowledge, this variant has not been reported in the published literature. It also has not been reported in large, multi-ethnic general populations (Genome Aggregation Database). Analysis of this variant using bioinformatics tools for the prediction of the effect of amino acid changes on protein structure and function yielded conflicting predictions that this variant is benign or damaging. Based on the available information, we are unable to determine the clinical significance of this variant.